The following is an entry in ClinVar:

NM_000218.3(KCNQ1):c.1363C>T (p.His455Tyr)

Gene: KCNQ1 (potassium voltage-gated channel subfamily Q member 1; plus strand). Cytogenetic location: 11p15.5.
Variant type: single nucleotide variant.
Coding change: c.1363C>T on transcript NM_000218.3 (MANE Select); coding-DNA position 1363, C replaced by T.
Protein change: p.His455Tyr; replaces histidine 455 with tyrosine.
Molecular consequence: missense variant.
Genome position (GRCh38, 1-based): chr11:2,588,824, C>T. VCF-style: chr11-2588824-C-T. GRCh37 (hg19) VCF-style: chr11-2610054-C-T.
Other names: c.1363C>T (LRG_287t1); c.1267C>T, p.His423Tyr (NM_001406836.1); c.1093C>T, p.His365Tyr (NM_001406837.1); c.823C>T, p.His275Tyr (NM_001406838.1); c.982C>T, p.His328Tyr (NM_181798.2); short protein forms H455Y, H328Y, H275Y, H423Y, H365Y.
Identifiers: ClinVar variation 52981 (VCV000052981.4), dbSNP rs199473476, ClinGen allele CA005693.

ClinVar aggregate classification (germline): Uncertain significance. Review status: criteria provided, single submitter (1 of 4 stars). 2 submissions from 2 submitters: Uncertain significance (1). 1 of the submissions does not count toward it. Last evaluated 2024-04-16.

Conditions:
Familial long QT syndrome (RWS). Also called: Congenital long QT syndrome; Romano-Ward syndrome; VENTRICULAR FIBRILLATION WITH PROLONGED QT INTERVAL. Identifiers: Orphanet 768, MedGen C1141890, MONDO:0019171.
Long QT syndrome (LQTS). Identifiers: MedGen C0023976, MeSH D008133, MONDO:0002442. Disease mechanism: loss of function. Inheritance: Various modes of inheritance.

Submissions (2):

All of Us Research Program, National Institutes of Health
Classification: Uncertain significance for Long QT syndrome. Last evaluated: 2024-04-16. Review status: criteria provided, single submitter. Criteria: ACMG Guidelines, 2015. Collection method: clinical testing. Allele origin: germline. Inheritance: Autosomal dominant inheritance. Observed: 1 variant allele, 1 heterozygote.
Comment: This missense variant replaces histidine with tyrosine at codon 455 of the KCNQ1 protein. Computational prediction is inconclusive regarding the impact of this variant on protein structure and function (internally defined REVEL score threshold 0.5 < inconclusive < 0.7, PMID: 27666373). A functional study has shown that this variant causes a reduced channel current in transfected Chinese hamster ovary cells (PMID: 19808498). This variant has been reported in at least one young individual who experienced sudden unexplained death and in the asymptomatic mother, who exhibited a prolonged QT interval (PMIDs: 17905336, 20167303, 26318259, 29672598). This variant has not been identified in the general population by the Genome Aggregation Database (gnomAD). The available evidence is insufficient to determine the role of this variant in disease conclusively. Therefore, this variant is classified as a Variant of Uncertain Significance.

This study involves interpretation of variants in research participants for the purpose of population health screening. Participant phenotype was not available at the time of variant classification. Additional details can be found in publication PMID: 35346344, PMCID: PMC8962531

Cardiovascular Biomedical Research Unit, Royal Brompton & Harefield NHS Foundation Trust
No classification provided. Condition: Familial long QT syndrome. Review status: no classification provided. Collection method: literature only. Allele origin: germline. Not counted in ClinVar's aggregate classification.
Comment: This variant has been reported as associated with Long QT syndrome in the following publications (PMID:17905336;PMID:19808498). This is a literature report, and does not necessarily reflect the clinical interpretation of the Imperial College / Royal Brompton Cardiovascular Genetics laboratory.

Literature cited by the submitters: PubMed 17905336 (cited by All of Us Research Program, National Institutes of Health and Cardiovascular Biomedical Research Unit, Royal Brompton & Harefield NHS Foundation Trust); PubMed 19808498 (cited by All of Us Research Program, National Institutes of Health and Cardiovascular Biomedical Research Unit, Royal Brompton & Harefield NHS Foundation Trust); PubMed 20167303 (cited by All of Us Research Program, National Institutes of Health); PubMed 26318259 (cited by All of Us Research Program, National Institutes of Health); PubMed 29672598 (cited by All of Us Research Program, National Institutes of Health); PubMed 22581653 (cited by Cardiovascular Biomedical Research Unit, Royal Brompton & Harefield NHS Foundation Trust).